The following is an entry in ClinVar:

ClinVar aggregate classification (germline): Conflicting classifications of pathogenicity. Review status: criteria provided, conflicting classifications (1 of 4 stars). 2 submissions from 2 submitters: Uncertain significance (1); Likely benign (1). Last evaluated 2026-01-26.

Conditions:
Nijmegen breakage syndrome-like disorder (NBSLD). Also called: MICROCEPHALY AND SPONTANEOUS CHROMOSOME INSTABILITY WITHOUT IMMUNODEFICIENCY; NBS-LIKE DISORDER; RAD50 DEFICIENCY. Identifiers: Orphanet 240760, MedGen C2751318, MONDO:0013118, OMIM 613078.
Hereditary cancer-predisposing syndrome. Also called: Tumor predisposition; Hereditary neoplastic syndrome; Hereditary Cancer Syndrome; Neoplastic Syndromes, Hereditary. Identifiers: Orphanet 140162, MedGen C0027672, MeSH D009386, MONDO:0015356.

Allele frequency attached by ClinVar (database versions not stated): gnomAD exomes below 0.00001; TOPMed below 0.00001; gnomAD 0.00001.
gnomAD v4.1: 5 of 1,611,570 alleles (0.00031%); highest among the groups gnomAD compares: East Asian, 0.0045%; no homozygotes.

Submissions (2):

Labcorp Genetics (formerly Invitae), Labcorp
Classification: Likely benign for Hereditary cancer-predisposing syndrome. Last evaluated: 2026-01-26. Review status: criteria provided, single submitter. Criteria: Invitae Variant Classification Sherloc (09022015). Collection method: clinical testing. Allele origin: germline.

Sema4
Classification: Uncertain significance for Nijmegen breakage syndrome-like disorder. Last evaluated: 2021-11-15. Review status: criteria provided, single submitter. Criteria: Sema4 Curation Guidelines. Collection method: curation. Allele origin: germline.
Comment: The RAD50 c.757-12C>A variant has not been reported in the literature to our knowledge. This variant was observed in 1/18278 chromosomes in the East Asian subpopulation in the large and broad cohorts of the Genome Aggregation Database (PMID: 32461654). The variant has not been reported in ClinVar. In silico tools suggest the variant may not have an impact on splicing, though these predictions have not been confirmed by functional studies. The evidence is insufficient to meet ACMG/AMP criteria for classifying the variant as benign or pathogenic. Thus, the clinical significance of this variant is currently uncertain.

NM_005732.4(RAD50):c.757-12C>A

Gene: RAD50 (RAD50 double strand break repair protein; plus strand). Cytogenetic location: 5q31.1.
Variant type: single nucleotide variant.
Coding change: c.757-12C>A on transcript NM_005732.4 (MANE Select); 12 bases into the intron before coding-DNA position 757, C replaced by A.
Molecular consequence: intron variant.
Genome position (GRCh38, 1-based): chr5:132,587,550, C>A. VCF-style: chr5-132587550-C-A. GRCh37 (hg19) VCF-style: chr5-131923242-C-A.
Identifiers: ClinVar variation 1463421 (VCV001463421.9), dbSNP rs1427073290, ClinGen allele CA562771608.